The following is an entry in ClinVar:

ClinVar aggregate classification (germline): Uncertain significance (1 of 4 stars; one submission).

Conditions:
Nephronophthisis. Also called: Juvenile Nephronophthisis. Identifiers: Orphanet 655, MedGen C0687120, MONDO:0019005, HP:0000090.

Allele frequency attached by ClinVar (database versions not stated): gnomAD exomes below 0.00001.
gnomAD v4.1: 1 of 1,612,796 alleles (0.000062%); highest among the groups gnomAD compares: East Asian, 0.0022%; no homozygotes.

Submission:

Labcorp Genetics (formerly Invitae), Labcorp
Classification: Uncertain significance for Nephronophthisis. Last evaluated: 2019-09-10. Review status: criteria provided, single submitter. Criteria: Invitae Variant Classification Sherloc (09022015). Collection method: clinical testing. Allele origin: germline.
Comment: Algorithms developed to predict the effect of missense changes on protein structure and function (SIFT, PolyPhen-2, Align-GVGD) all suggest that this variant is likely to be tolerated, but these predictions have not been confirmed by published functional studies and their clinical significance is uncertain. This variant has not been reported in the literature in individuals with NPHP3-related conditions. This variant is not present in population databases (ExAC no frequency). This sequence change replaces aspartic acid with glycine at codon 308 of the NPHP3 protein (p.Asp308Gly). The aspartic acid residue is moderately conserved and there is a moderate physicochemical difference between aspartic acid and glycine. In summary, the available evidence is currently insufficient to determine the role of this variant in disease. Therefore, it has been classified as a Variant of Uncertain Significance. Algorithms developed to predict the effect of sequence changes on RNA splicing suggest that this variant may create or strengthen a splice site, but this prediction has not been confirmed by published transcriptional studies.

NM_153240.5(NPHP3):c.923A>G (p.Asp308Gly)

Genes: NPHP3 (nephrocystin 3; minus strand), NPHP3-ACAD11 (NPHP3-ACAD11 readthrough (NMD candidate); minus strand). Cytogenetic location: 3q22.1.
Variant type: single nucleotide variant.
Coding change: c.923A>G on transcript NM_153240.5 (MANE Select); coding-DNA position 923, A replaced by G.
Protein change: p.Asp308Gly; replaces aspartic acid 308 with glycine.
Molecular consequence: missense variant. On other transcripts: non-coding transcript variant (1).
Genome position (GRCh38, 1-based): chr3:132,715,119, T>C on the plus strand (A>G on the coding strand, the complement: NPHP3 is on the minus strand). VCF-style: chr3-132715119-T-C. GRCh37 (hg19) VCF-style: chr3-132433963-T-C.
Other names: short protein forms D308G.
Identifiers: ClinVar variation 940961 (VCV000940961.9), dbSNP rs1940014734, ClinGen allele CA354586092.